The following is an entry in ClinVar:

ClinVar aggregate classification (germline): Likely benign (0 of 4 stars; one submission).

Conditions:
DYRK1B-related disorder. Also called: DYRK1B-related condition.

Submission:

PreventionGenetics, part of Exact Sciences
Classification: Likely benign for DYRK1B-related condition. Last evaluated: 2024-08-27. Review status: no assertion criteria provided. Collection method: clinical testing. Allele origin: germline.
Comment: This variant is classified as likely benign based on ACMG/AMP sequence variant interpretation guidelines (Richards et al. 2015 PMID: 25741868, with internal and published modifications).

NM_004714.3(DYRK1B):c.1743G>A (p.Ala581=)

Gene: DYRK1B (dual specificity tyrosine phosphorylation regulated kinase 1B; minus strand). Cytogenetic location: 19q13.2.
Variant type: single nucleotide variant.
Coding change: c.1743G>A on transcript NM_004714.3 (MANE Select); coding-DNA position 1743, G replaced by A.
Protein change: p.Ala581=; no amino-acid change (alanine 581 retained).
Molecular consequence: synonymous variant.
Genome position (GRCh38, 1-based): chr19:39,825,862, C>T on the plus strand (G>A on the coding strand, the complement: DYRK1B is on the minus strand). VCF-style: chr19-39825862-C-T. GRCh37 (hg19) VCF-style: chr19-40316502-C-T.
Other names: c.1623G>A, p.Ala541= (NM_006483.3); c.1659G>A, p.Ala553= (NM_006484.3).
Identifiers: ClinVar variation 3350594 (VCV003350594.1).
Genomic context (GRCh38, chr19:39,825,862, plus strand): 5'-TGGACGACCTCCAGTCATCCGAGTCCGGAGGGCTGAGGCAGCCGGGTGCTGGGGGGCAGG[C>T]GCTGGGTGAGGTGGGGAGCAGTCAGCAGGGCCGCCCACCAGGCTCACATCCATCAGCTCC-3'
Protein context (NP_004705.1, residues 571-591): GPADCSPPHP[Ala581=]PAPQHPAASA